The following is an entry in ClinVar:

NM_006206.6(PDGFRA):c.1832C>G (p.Thr611Arg)

Gene: PDGFRA (platelet derived growth factor receptor alpha; plus strand). Cytogenetic location: 4q12.
Variant type: single nucleotide variant.
Coding change: c.1832C>G on transcript NM_006206.6 (MANE Select); coding-DNA position 1832, C replaced by G.
Protein change: p.Thr611Arg; replaces threonine 611 with arginine.
Molecular consequence: missense variant.
Genome position (GRCh38, 1-based): chr4:54,277,433, C>G. VCF-style: chr4-54277433-C-G. GRCh37 (hg19) VCF-style: chr4-55143600-C-G.
Other names: c.1832C>G, p.Thr611Arg (NM_001347827.2, NM_001347829.2); c.1907C>G, p.Thr636Arg (NM_001347828.2); c.1871C>G, p.Thr624Arg (NM_001347830.2); short protein forms T611R, T636R, T624R.
Identifiers: ClinVar variation 459025 (VCV000459025.14), dbSNP rs1406857066, ClinGen allele CA356893422.

ClinVar aggregate classification (germline): Uncertain significance. Review status: criteria provided, multiple submitters, no conflicts (2 of 4 stars). 2 submissions from 2 submitters: Uncertain significance (2). Last evaluated 2025-11-23.

Conditions:
Gastrointestinal stromal tumor. Also called: Gastrointestinal stroma tumor; Gastrointestinal stromal tumor, somatic. Identifiers: Orphanet 44890, MedGen C0238198, MeSH D046152, MONDO:0011719, OMIM 606764, HP:0100723.
Hereditary cancer-predisposing syndrome. Also called: Tumor predisposition; Hereditary neoplastic syndrome; Neoplastic Syndromes, Hereditary; Hereditary Cancer Syndrome. Identifiers: Orphanet 140162, MedGen C0027672, MeSH D009386, MONDO:0015356.

Allele frequency attached by ClinVar (database versions not stated): gnomAD exomes below 0.00001; TOPMed 0.00002.
gnomAD v4.1: 3 of 1,613,986 alleles (0.00019%); highest among the groups gnomAD compares: Non-Finnish European, 0.00025%; no homozygotes.

Submissions (2):

Labcorp Genetics (formerly Invitae), Labcorp
Classification: Uncertain significance for Gastrointestinal stromal tumor. Last evaluated: 2025-11-23. Review status: criteria provided, single submitter. Criteria: Invitae Variant Classification Sherloc (09022015). Collection method: clinical testing. Allele origin: germline.
Comment: This sequence change replaces threonine, which is neutral and polar, with arginine, which is basic and polar, at codon 611 of the PDGFRA protein (p.Thr611Arg). This variant is not present in population databases (gnomAD no frequency). This variant has not been reported in the literature in individuals affected with PDGFRA-related conditions. ClinVar contains an entry for this variant (Variation ID: 459025). Invitae Evidence Modeling of protein sequence and biophysical properties (such as structural, functional, and spatial information, amino acid conservation, physicochemical variation, residue mobility, and thermodynamic stability) has been performed for this missense variant. However, the output from this modeling did not meet the statistical confidence thresholds required to predict the impact of this variant on PDGFRA protein function. In summary, the available evidence is currently insufficient to determine the role of this variant in disease. Therefore, it has been classified as a Variant of Uncertain Significance.

Ambry Genetics
Classification: Uncertain significance for Hereditary cancer-predisposing syndrome. Last evaluated: 2024-11-01. Review status: criteria provided, single submitter. Criteria: Ambry Variant Classification Scheme 2023. Collection method: clinical testing. Allele origin: germline.
Comment: The p.T611R variant (also known as c.1832C>G), located in coding exon 12 of the PDGFRA gene, results from a C to G substitution at nucleotide position 1832. The threonine at codon 611 is replaced by arginine, an amino acid with similar properties. This amino acid position is highly conserved in available vertebrate species. In addition, this alteration is predicted to be deleterious by in silico analysis. Since supporting evidence is limited at this time, the clinical significance of this alteration remains unclear.